The following is an entry in ClinVar:

NM_001387430.1(SH2B1):c.535C>T (p.Pro179Ser)

Gene: SH2B1 (SH2B adaptor protein 1; plus strand). Cytogenetic location: 16p11.2.
Variant type: single nucleotide variant.
Coding change: c.535C>T on transcript NM_001387430.1 (MANE Select); coding-DNA position 535, C replaced by T.
Protein change: p.Pro179Ser; replaces proline 179 with serine.
Molecular consequence: missense variant. On other transcripts: intron variant (1).
Genome position (GRCh38, 1-based): chr16:28,866,629, C>T. VCF-style: chr16-28866629-C-T. GRCh37 (hg19) VCF-style: chr16-28877950-C-T.
Other names: c.535C>T, p.Pro179Ser (NM_001145795.2, NM_001145796.2, NM_001145797.2 and 4 more transcripts); c.-26-745C>T (NM_001308294.2); short protein forms P179S.
Identifiers: ClinVar variation 4994983 (VCV004994983.1).

ClinVar aggregate classification (germline): Uncertain significance (1 of 4 stars; one submission).

Conditions:
SH2B1-related disorder. Also called: SH2B1-related condition.

Submission:

PreventionGenetics, part of Exact Sciences
Classification: Uncertain significance for SH2B1-related condition. Last evaluated: 2026-07-28. Review status: criteria provided, single submitter. Criteria: ACMG Guidelines, 2015. Collection method: clinical testing. Allele origin: germline.
Comment: The SH2B1 c.535C>T variant is predicted to result in the amino acid substitution p.Pro179Ser. To our knowledge, this variant has not been reported in the literature or in a large population database (gnomAD), indicating this variant is rare. At this time, the clinical significance of this variant is uncertain due to the absence of conclusive functional and genetic evidence.